The following is an entry in ClinVar:

ClinVar aggregate classification (germline): Uncertain significance. Review status: criteria provided, multiple submitters, no conflicts (2 of 4 stars). 2 submissions from 2 submitters: Uncertain significance (2). Last evaluated 2025-12-03.

Conditions:
Inborn genetic diseases. Identifiers: MedGen C0950123, MeSH D030342.

Allele frequency attached by ClinVar (database versions not stated): gnomAD exomes below 0.00001.
gnomAD v4.1: 2 of 1,614,112 alleles (0.00012%); highest among the groups gnomAD compares: Middle Eastern, 0.016%; no homozygotes.

Submissions (2):

Ambry Genetics
Classification: Uncertain significance for Inborn genetic diseases. Last evaluated: 2025-12-03. Review status: criteria provided, single submitter. Criteria: Ambry Variant Classification Scheme 2023. Collection method: clinical testing. Allele origin: germline.

ARUP Laboratories, Molecular Genetics and Genomics, ARUP Laboratories
Classification: Uncertain significance. Last evaluated: 2023-05-05. Review status: criteria provided, single submitter. Criteria: ARUP Molecular Germline Variant Investigation Process 2024. Collection method: clinical testing. Allele origin: germline.
Comment: The FAT4 c.10241G>C; p.Ser3414Thr variant (rs1310398355), to our knowledge, is not reported in the medical literature or gene specific databases. This variant is only observed on one allele in the Genome Aggregation Database, indicating it is not a common polymorphism. Computational analyses are uncertain whether this variant is neutral or deleterious (REVEL: 0.212). Due to limited information, the clinical significance of the p.Ser3414Thr variant is uncertain at this time.

NM_001291303.3(FAT4):c.10247G>C (p.Ser3416Thr)

Gene: FAT4 (FAT atypical cadherin 4; plus strand). Cytogenetic location: 4q28.1.
Variant type: single nucleotide variant.
Coding change: c.10247G>C on transcript NM_001291303.3 (MANE Select); coding-DNA position 10247, G replaced by C.
Protein change: p.Ser3416Thr; replaces serine 3416 with threonine.
Molecular consequence: missense variant.
Genome position (GRCh38, 1-based): chr4:125,451,257, G>C. VCF-style: chr4-125451257-G-C. GRCh37 (hg19) VCF-style: chr4-126372412-G-C.
Other names: c.10247G>C, p.Ser3416Thr (NM_001291285.3); c.10241G>C, p.Ser3414Thr (NM_024582.6); c.10241G>C (NM_024582.4); short protein forms S3414T, S3416T.
Identifiers: ClinVar variation 2920940 (VCV002920940.2), dbSNP rs1310398355, ClinGen allele CA358157886.
Genomic context (GRCh38, chr4:125,451,257, plus strand): 5'-CCGTGCTTGATGCAAATGACCCACCCATTTTTACTCTAAACATCTACAGTGTGCAGATCA[G>C]TGAAGGGGTCCCAATAGGAACTCATGTGACCTTTGTCAGTGCCTTTGACTCAGACTCCAT-3'
Protein context (NP_001278232.1, residues 3406-3426): FTLNIYSVQI[Ser3416Thr]EGVPIGTHVT